The following is an entry in ClinVar:

NM_001144068.2(ZNF772):c.287G>T (p.Gly96Val)

Gene: ZNF772 (zinc finger protein 772; minus strand). Cytogenetic location: 19q13.43.
Variant type: single nucleotide variant.
Coding change: c.287G>T on transcript NM_001144068.2 (MANE Select); coding-DNA position 287, G replaced by T.
Protein change: p.Gly96Val; replaces glycine 96 with valine.
Molecular consequence: missense variant.
Genome position (GRCh38, 1-based): chr19:57,474,334, C>A on the plus strand (G>T on the coding strand, the complement: ZNF772 is on the minus strand). VCF-style: chr19-57474334-C-A. GRCh37 (hg19) VCF-style: chr19-57985702-C-A.
Other names: NC_000019.9:g.57985702C>A; c.410G>T, p.Gly137Val (NM_001024596.3); c.74G>T, p.Gly25Val (NM_001330613.2); short protein forms G137V, G25V, G96V.
Identifiers: ClinVar variation 2650573 (VCV002650573.25), dbSNP rs149559142, ClinGen allele CA9699754.
Genomic context (GRCh38, chr19:57,474,334, plus strand): 5'-AAAATGTCTTTTAAGACCAGGCCACATGTCCCACAGGGGTAAGCCTTCTGAGTAGAAGGA[C>A]CTCCCTTGGGAATCCTGATCTGTGACATTCCTATAGAAAAGCTCTGCTCAAAAGGTATCT-3'
Protein context (NP_001137540.1, residues 86-106): GMSQIRIPKG[Gly96Val]PSTQKAYPCG

ClinVar aggregate classification (germline): Likely benign (1 of 4 stars; one submission).

Allele frequency attached by ClinVar (database versions not stated): 1000 Genomes Project 0.00180; 1000 Genomes Project 30x 0.00203; ExAC 0.00522; gnomAD exomes 0.00556; ESP Exome Variant Server 0.00646.

Submissions (7):

CeGaT Center for Human Genetics Tuebingen
Classification: Likely benign. Last evaluated: 2023-02-01. Review status: criteria provided, single submitter. Criteria: CeGaT Center For Human Genetics Tuebingen Variant Classification Criteria Version 2. Collection method: clinical testing. Allele origin: germline. Affected: yes. Observed: 1 variant allele.
Comment: ZNF772: BP4, BS2

Dr. Peter K. Rogan Lab, Western University
No classification provided (evidence only). Condition: Lung cancer. Review status: no classification provided. Collection method: in vitro. Allele origin: not applicable. Functional consequence: retained intron. Not counted in ClinVar's aggregate classification.

Dr. Peter K. Rogan Lab, Western University
No classification provided (evidence only). Condition: Lung cancer. Review status: no classification provided. Collection method: in vitro. Allele origin: not applicable. Functional consequence: retained intron. Not counted in ClinVar's aggregate classification.

Dr. Peter K. Rogan Lab, Western University
No classification provided (evidence only). Condition: Thyroid cancer, nonmedullary, 1. Review status: no classification provided. Collection method: in vitro. Allele origin: not applicable. Functional consequence: retained intron. Not counted in ClinVar's aggregate classification.

Dr. Peter K. Rogan Lab, Western University
No classification provided (evidence only). Condition: Uterine corpus endometrial carcinoma. Review status: no classification provided. Collection method: in vitro. Allele origin: not applicable. Functional consequence: retained intron. Not counted in ClinVar's aggregate classification.

Dr. Peter K. Rogan Lab, Western University
No classification provided (evidence only). Condition: Uterine corpus endometrial carcinoma. Review status: no classification provided. Collection method: in vitro. Allele origin: not applicable. Functional consequence: retained intron. Not counted in ClinVar's aggregate classification.

Dr. Peter K. Rogan Lab, Western University
No classification provided (evidence only). Condition: Thymoma. Review status: no classification provided. Collection method: in vitro. Allele origin: not applicable. Functional consequence: retained intron. Not counted in ClinVar's aggregate classification.